The following is an entry in ClinVar:

NM_001205254.2(OCLN):c.70C>G (p.Pro24Ala)

Gene: OCLN (occludin; plus strand). Cytogenetic location: 5q13.2.
Variant type: single nucleotide variant.
Coding change: c.70C>G on transcript NM_001205254.2 (MANE Select); coding-DNA position 70, C replaced by G.
Protein change: p.Pro24Ala; replaces proline 24 with alanine.
Molecular consequence: missense variant. On other transcripts: intron variant (1).
Genome position (GRCh38, 1-based): chr5:69,509,160, C>G. VCF-style: chr5-69509160-C-G. GRCh37 (hg19) VCF-style: chr5-68804987-C-G.
Other names: p.Pro24Ala; c.70C>G, p.Pro24Ala (NM_001410743.1, NM_001438048.1, NM_001438604.1 and 1 more transcripts); c.-24-4788C>G (NM_001205255.2); short protein forms P24A.
Identifiers: ClinVar variation 159462 (VCV000159462.46), dbSNP rs147125035, ClinGen allele CA172888.
Genomic context (GRCh38, chr5:69,509,160, plus strand): 5'-CAAAAAATGCTAACTTGAAATTATTTTCATGTTCATTTCAGCAAACCGAATCATTATGCA[C>G]CAAGCAATGACATATATGGTGGAGAGATGCATGTTCGACCAATGCTCTCTCAGCCAGCCT-3'
Protein context (NP_001192183.1, residues 14-34): PDEFKPNHYA[Pro24Ala]SNDIYGGEMH

ClinVar aggregate classification (germline): Benign/Likely benign. Review status: criteria provided, multiple submitters, no conflicts (2 of 4 stars). 7 submissions from 7 submitters: Benign (6); Likely benign (1). Last evaluated 2026-09-01.

Conditions:
Pseudo-TORCH syndrome 1 (PTORCH1). Also called: Band-like calcification with simplified gyration and polymicrogyria. Identifiers: Orphanet 1229, MedGen C4552078, MONDO:0020789, OMIM 251290.

Allele frequency attached by ClinVar (database versions not stated): 1000 Genomes Project 0.00479; 1000 Genomes Project 30x 0.00484; TOPMed 0.00707; ESP Exome Variant Server 0.00746; gnomAD 0.00844 and 0.00868; ExAC 0.00855; gnomAD exomes 0.00881.
gnomAD v4.1: 16,717 of 1,613,900 alleles (1%); highest among the groups gnomAD compares: Non-Finnish European, 1.2%; 100 homozygotes.

Submissions (7):

CeGaT Center for Human Genetics Tuebingen
Classification: Benign. Last evaluated: 2026-09-01. Review status: criteria provided, single submitter. Criteria: CeGaT Center For Human Genetics Tuebingen Variant Classification Criteria Version 2. Collection method: clinical testing. Allele origin: germline. Affected: yes. Observed: 46 variant alleles.
Comment: OCLN: BS1, BS2

Labcorp Genetics (formerly Invitae), Labcorp
Classification: Benign. Last evaluated: 2026-02-01. Review status: criteria provided, single submitter. Criteria: Invitae Variant Classification Sherloc (09022015). Collection method: clinical testing. Allele origin: germline.

Fulgent Genetics
Classification: Likely benign for Pseudo-TORCH syndrome 1. Last evaluated: 2021-07-08. Review status: criteria provided, single submitter. Criteria: ACMG Guidelines, 2015. Collection method: clinical testing. Allele origin: unknown.

Mayo Clinic Laboratories, Mayo Clinic
Classification: Benign. Last evaluated: 2019-02-20. Review status: criteria provided, single submitter. Criteria: ACMG Guidelines, 2015. Collection method: clinical testing. Allele origin: germline. Observed: 11 variant alleles.

GeneDx
Classification: Benign. Last evaluated: 2016-12-15. Review status: criteria provided, single submitter. Criteria: GeneDx Variant Classification (06012015). Collection method: clinical testing. Allele origin: germline. Affected: yes.
Comment: This variant is considered likely benign or benign based on one or more of the following criteria: it is a conservative change, it occurs at a poorly conserved position in the protein, it is predicted to be benign by multiple in silico algorithms, and/or has population frequency not consistent with disease.

Genetic Services Laboratory, University of Chicago
Classification: Benign. Last evaluated: 2015-11-05. Review status: criteria provided, single submitter. Criteria: ACMG Guidelines, 2015. Collection method: clinical testing. Allele origin: germline. Affected: no.

Breakthrough Genomics
Classification: Benign. Review status: criteria provided, single submitter. Criteria: ACMG Guidelines, 2015. Collection method: not provided. Allele origin: germline. Inheritance: Autosomal recessive inheritance. Affected: yes.